The following is an entry in ClinVar:

ClinVar aggregate classification (germline): Uncertain significance (1 of 4 stars; one submission).

Conditions:
Inborn genetic diseases. Identifiers: MedGen C0950123, MeSH D030342.

Allele frequency attached by ClinVar (database versions not stated): TOPMed below 0.00001.

Submission:

Ambry Genetics
Classification: Uncertain significance for Inborn genetic diseases. Last evaluated: 2022-07-19. Review status: criteria provided, single submitter. Criteria: Ambry Variant Classification Scheme 2023. Collection method: clinical testing. Allele origin: germline.
Comment: The p.K699I variant (also known as c.2096A>T), located in coding exon 16 of the BUB1B gene, results from an A to T substitution at nucleotide position 2096. The lysine at codon 699 is replaced by isoleucine, an amino acid with dissimilar properties. This amino acid position is conserved. In addition, this alteration is predicted to be tolerated by in silico analysis. Since supporting evidence is limited at this time, the clinical significance of this alteration remains unclear.

NM_001211.6(BUB1B):c.2096A>T (p.Lys699Ile)

Gene: BUB1B (BUB1 mitotic checkpoint serine/threonine kinase B; plus strand). Cytogenetic location: 15q15.1.
Variant type: single nucleotide variant.
Coding change: c.2096A>T on transcript NM_001211.6 (MANE Select); coding-DNA position 2096, A replaced by T.
Protein change: p.Lys699Ile; replaces lysine 699 with isoleucine.
Molecular consequence: missense variant.
Genome position (GRCh38, 1-based): chr15:40,208,723, A>T. VCF-style: chr15-40208723-A-T. GRCh37 (hg19) VCF-style: chr15-40500924-A-T.
Other names: short protein forms K699I.
Identifiers: ClinVar variation 1785796 (VCV001785796.2), dbSNP rs941855987, ClinGen allele CA268799918.